The following is an entry in ClinVar:

NM_017617.5(NOTCH1):c.4699G>A (p.Glu1567Lys)

Gene: NOTCH1 (notch receptor 1; minus strand). Cytogenetic location: 9q34.3.
Variant type: single nucleotide variant.
Coding change: c.4699G>A on transcript NM_017617.5 (MANE Select); coding-DNA position 4699, G replaced by A.
Protein change: p.Glu1567Lys; replaces glutamic acid 1567 with lysine.
Molecular consequence: missense variant.
Genome position (GRCh38, 1-based): chr9:136,504,992, C>T on the plus strand (G>A on the coding strand, the complement: NOTCH1 is on the minus strand). VCF-style: chr9-136504992-C-T. GRCh37 (hg19) VCF-style: chr9-139399444-C-T.
Other names: c.4699G>A, p.Glu1567Lys (LRG_1122t1); short protein forms E1567K.
Identifiers: ClinVar variation 544170 (VCV000544170.8), dbSNP rs1333725995, ClinGen allele CA375645443.
Genomic context (GRCh38, chr9:136,504,992, plus strand): 5'-TGCGCAGCTGCTCCGGCGGCATCAGCACCACCACCACCAGCGTGCCGGCCGCCAGCCTCT[C>T]GGGTACATGCTCCGCACAGTCCAGCCCGTCCCACTCGCACTCCGCGCTGTTGCAGCCCTG-3'
Protein context (NP_060087.3, residues 1557-1577): DGLDCAEHVP[Glu1567Lys]RLAAGTLVVV

ClinVar aggregate classification (germline): Uncertain significance (1 of 4 stars; one submission).

Conditions:
Adams-Oliver syndrome 5 (AOS5). Identifiers: Orphanet 974, MedGen C4014970, MONDO:0014459, OMIM 616028.

Allele frequency attached by ClinVar (database versions not stated): gnomAD exomes 0.00001; TOPMed 0.00003.

Submission:

Labcorp Genetics (formerly Invitae), Labcorp
Classification: Uncertain significance for Adams-Oliver syndrome 5. Last evaluated: 2024-05-29. Review status: criteria provided, single submitter. Criteria: Invitae Variant Classification Sherloc (09022015). Collection method: clinical testing. Allele origin: germline.
Comment: This sequence change replaces glutamic acid, which is acidic and polar, with lysine, which is basic and polar, at codon 1567 of the NOTCH1 protein (p.Glu1567Lys). This variant is not present in population databases (gnomAD no frequency). This variant has not been reported in the literature in individuals affected with NOTCH1-related conditions. ClinVar contains an entry for this variant (Variation ID: 544170). Advanced modeling of protein sequence and biophysical properties (such as structural, functional, and spatial information, amino acid conservation, physicochemical variation, residue mobility, and thermodynamic stability) performed at Invitae indicates that this missense variant is not expected to disrupt NOTCH1 protein function with a negative predictive value of 80%. In summary, the available evidence is currently insufficient to determine the role of this variant in disease. Therefore, it has been classified as a Variant of Uncertain Significance.